The following is an entry in ClinVar:

NM_003482.4(KMT2D):c.7670C>T (p.Pro2557Leu)

Gene: KMT2D (lysine methyltransferase 2D; minus strand). Cytogenetic location: 12q13.12.
Variant type: single nucleotide variant.
Coding change: c.7670C>T on transcript NM_003482.4 (MANE Select); coding-DNA position 7670, C replaced by T.
Protein change: p.Pro2557Leu; replaces proline 2557 with leucine.
Molecular consequence: missense variant.
Genome position (GRCh38, 1-based): chr12:49,040,100, G>A on the plus strand (C>T on the coding strand, the complement: KMT2D is on the minus strand). VCF-style: chr12-49040100-G-A. GRCh37 (hg19) VCF-style: chr12-49433883-G-A.
Other names: short protein forms P2557L.
Identifiers: ClinVar variation 94250 (VCV000094250.39), dbSNP rs189888707, ClinGen allele CA147707.
Genomic context (GRCh38, chr12:49,040,100, plus strand): 5'-CTTTGAGGCTTGCCCAAGGTGGGGCCGGGCCCAAAATGGCTGTTGATCCCATGGGGTGGC[G>A]GGAGACCAGGCTGAGGGACAGGGGGCTTTAGGGAAGGCTCCCCTACTGCCTGAGGGAAAG-3'
Protein context (NP_003473.3, residues 2547-2567): LKPPVPQPGL[Pro2557Leu]PPHGINSHFG

ClinVar aggregate classification (germline): Benign/Likely benign. Review status: criteria provided, multiple submitters, no conflicts (2 of 4 stars). 14 submissions from 14 submitters: Benign (9); Likely benign (1). 4 of the submissions do not count toward it. Last evaluated 2026-02-03.

Conditions:
Kabuki syndrome. Also called: NIIKAWA-KUROKI SYNDROME; Kabuki make-up syndrome. Identifiers: Orphanet 2322, MedGen C0796004, MONDO:0016512.

Allele frequency attached by ClinVar (database versions not stated): ESP Exome Variant Server 0.00925; gnomAD exomes 0.00714 and 0.00824; 1000 Genomes Project 0.00859; gnomAD 0.01025 and 0.01028; TOPMed 0.01048; ExAC 0.00849; 1000 Genomes Project 30x 0.01031.
gnomAD v4.1: 12,278 of 1,613,868 alleles (0.76%); highest among the groups gnomAD compares: Middle Eastern, 4%; 105 homozygotes.

Submissions (14):

Labcorp Genetics (formerly Invitae), Labcorp
Classification: Benign for Kabuki syndrome. Last evaluated: 2026-02-03. Review status: criteria provided, single submitter. Criteria: Invitae Variant Classification Sherloc (09022015). Collection method: clinical testing. Allele origin: germline.

ARUP Laboratories, Molecular Genetics and Genomics, ARUP Laboratories
Classification: Benign. Last evaluated: 2025-05-15. Review status: criteria provided, single submitter. Criteria: ARUP Molecular Germline Variant Investigation Process 2024. Collection method: clinical testing. Allele origin: germline.

Blueprint Genetics
Classification: Likely benign. Last evaluated: 2024-11-25. Review status: criteria provided, single submitter. Criteria: ACMG Guidelines, 2015. Collection method: clinical testing. Allele origin: germline.

Mayo Clinic Laboratories, Mayo Clinic
Classification: Benign. Last evaluated: 2023-12-14. Review status: criteria provided, single submitter. Criteria: ACMG Guidelines, 2015. Collection method: clinical testing. Allele origin: germline. Observed: 3 variant alleles.
Comment: BS1, BS2

GeneDx
Classification: Benign. Last evaluated: 2017-06-05. Review status: criteria provided, single submitter. Criteria: GeneDx Variant Classification (06012015). Collection method: clinical testing. Allele origin: germline. Affected: yes.
Comment: This variant is considered likely benign or benign based on one or more of the following criteria: it is a conservative change, it occurs at a poorly conserved position in the protein, it is predicted to be benign by multiple in silico algorithms, and/or has population frequency not consistent with disease.

Center for Pediatric Genomic Medicine, Children's Mercy Hospital and Clinics
Classification: Benign. Last evaluated: 2016-09-14. Review status: criteria provided, single submitter. Criteria: ACMG Guidelines, 2015. Collection method: clinical testing. Allele origin: germline.

Eurofins Ntd Llc (ga)
Classification: Benign. Last evaluated: 2015-12-22. Review status: criteria provided, single submitter. Criteria: EGL Classification Definitions 2015. Collection method: clinical testing. Allele origin: germline. Observed: 15 variant alleles, 15 heterozygotes.

Genetic Services Laboratory, University of Chicago
Classification: Benign. Last evaluated: 2014-05-21. Review status: criteria provided, single submitter. Criteria: ACMG Guidelines, 2015. Collection method: clinical testing. Allele origin: germline. Inheritance: Autosomal dominant inheritance.

Breakthrough Genomics
Classification: Benign. Review status: criteria provided, single submitter. Criteria: ACMG Guidelines, 2015. Collection method: not provided. Allele origin: germline. Inheritance: Autosomal dominant inheritance. Affected: yes.

PreventionGenetics, part of Exact Sciences
Classification: Benign. Review status: criteria provided, single submitter. Criteria: ACMG Guidelines, 2015. Collection method: clinical testing. Allele origin: germline.

ITMI
No classification provided. Condition: AllHighlyPenetrant. Last evaluated: 2013-09-19. Review status: no classification provided. Collection method: reference population. Allele origin: germline. Not counted in ClinVar's aggregate classification.
Comment: Please see associated publication for description of ethnicities

Clinical Genetics DNA and cytogenetics Diagnostics Lab, Erasmus MC, Erasmus Medical Center
Classification: Benign. Review status: no assertion criteria provided. Collection method: clinical testing. Allele origin: germline. Affected: yes. Study: VKGL Data-share Consensus. Not counted in ClinVar's aggregate classification.

Joint Genome Diagnostic Labs from Nijmegen and Maastricht, Radboudumc and MUMC+
Classification: Benign. Review status: no assertion criteria provided. Collection method: clinical testing. Allele origin: germline. Affected: yes. Study: VKGL Data-share Consensus. Not counted in ClinVar's aggregate classification.

Laboratory of Diagnostic Genome Analysis, Leiden University Medical Center (LUMC)
Classification: Likely benign. Review status: no assertion criteria provided. Collection method: clinical testing. Allele origin: germline. Affected: yes. Study: VKGL Data-share Consensus. Not counted in ClinVar's aggregate classification.

Literature cited by the submitters: PubMed 24728327 (cited by ITMI).